The following is an entry in ClinVar:

NM_001042492.3(NF1):c.847G>A (p.Asp283Asn)

Gene: NF1 (neurofibromin 1; plus strand). Cytogenetic location: 17q11.2.
Variant type: single nucleotide variant.
Coding change: c.847G>A on transcript NM_001042492.3 (MANE Select); coding-DNA position 847, G replaced by A.
Protein change: p.Asp283Asn; replaces aspartic acid 283 with asparagine.
Molecular consequence: missense variant.
Genome position (GRCh38, 1-based): chr17:31,182,624, G>A. VCF-style: chr17-31182624-G-A. GRCh37 (hg19) VCF-style: chr17-29509642-G-A.
Other names: c.847G>A, p.Asp283Asn (NM_000267.4, NM_001128147.3); short protein forms D283N.
Identifiers: ClinVar variation 644018 (VCV000644018.5), dbSNP rs200572531, ClinGen allele CA398991109.
Genomic context (GRCh38, chr17:31,182,624, plus strand): 5'-AAAGCAGCAGTTTGGCCACTACAAATCATTCTCCTTATCTTGTGTCCAGAAATAATCCAG[G>A]ATATATCCAAAGACGTGGTTGATGAAAACAACATGAATAAGGTAAGGAGGGCAAAATTAT-3'
Protein context (NP_001035957.1, residues 273-293): LLILCPEIIQ[Asp283Asn]ISKDVVDENN

ClinVar aggregate classification (germline): Uncertain significance (1 of 4 stars; one submission).

Conditions:
Neurofibromatosis, type 1 (NF1). Also called: NEUROFIBROMATOSIS, TYPE I, SOMATIC; VON RECKLINGHAUSEN DISEASE; Neurofibromatosis, type I; Peripheral type neurofibromatosis. Identifiers: Orphanet 636, MedGen C0027831, MONDO:0018975, OMIM 162200. Disease mechanism: loss of function.

Submission:

Labcorp Genetics (formerly Invitae), Labcorp
Classification: Uncertain significance for Neurofibromatosis, type 1. Last evaluated: 2022-04-24. Review status: criteria provided, single submitter. Criteria: Invitae Variant Classification Sherloc (09022015). Collection method: clinical testing. Allele origin: germline.
Comment: In summary, the available evidence is currently insufficient to determine the role of this variant in disease. Therefore, it has been classified as a Variant of Uncertain Significance. Advanced modeling of protein sequence and biophysical properties (such as structural, functional, and spatial information, amino acid conservation, physicochemical variation, residue mobility, and thermodynamic stability) performed at Invitae indicates that this missense variant is not expected to disrupt NF1 protein function. ClinVar contains an entry for this variant (Variation ID: 644018). This variant has not been reported in the literature in individuals affected with NF1-related conditions. This variant is not present in population databases (gnomAD no frequency). This sequence change replaces aspartic acid, which is acidic and polar, with asparagine, which is neutral and polar, at codon 283 of the NF1 protein (p.Asp283Asn).